The following is an entry in ClinVar:

ClinVar aggregate classification (germline): Uncertain significance (1 of 4 stars; one submission).

Conditions:
Inborn genetic diseases. Identifiers: MedGen C0950123, MeSH D030342.

Submission:

Ambry Genetics
Classification: Uncertain significance for Inborn genetic diseases. Last evaluated: 2026-06-22. Review status: criteria provided, single submitter. Criteria: Ambry Variant Classification Scheme 2023. Collection method: clinical testing. Allele origin: germline.
Comment: The p.P1015A variant (also known as c.3043C>G), located in coding exon 22 of the LTBP3 gene, results from a C to G substitution at nucleotide position 3043. The proline at codon 1015 is replaced by alanine, an amino acid with highly similar properties. This amino acid position is conserved. In addition, the in silico prediction for this alteration is inconclusive. Based on the available evidence, the clinical significance of this variant remains unclear.

NM_001130144.3(LTBP3):c.3043C>G (p.Pro1015Ala)

Genes: LTBP3 (latent transforming growth factor beta binding protein 3; minus strand), LOC121832793 (Sharpr-MPRA regulatory region 4001; plus strand). Cytogenetic location: 11q13.1.
Variant type: single nucleotide variant.
Coding change: c.3043C>G on transcript NM_001130144.3 (MANE Select); coding-DNA position 3043, C replaced by G.
Protein change: p.Pro1015Ala; replaces proline 1015 with alanine.
Molecular consequence: missense variant.
Genome position (GRCh38, 1-based): chr11:65,540,549, G>C on the plus strand (C>G on the coding strand, the complement: LTBP3 is on the minus strand). VCF-style: chr11-65540549-G-C. GRCh37 (hg19) VCF-style: chr11-65308020-G-C.
Other names: c.2692C>G, p.Pro898Ala (NM_001164266.1); c.3043C>G, p.Pro1015Ala (NM_021070.4); short protein forms P1015A, P898A.
Identifiers: ClinVar variation 5023701 (VCV005023701.1).